The following is an entry in ClinVar:

ClinVar aggregate classification (germline): Uncertain significance. Review status: criteria provided, multiple submitters, no conflicts (2 of 4 stars). 2 submissions from 2 submitters: Uncertain significance (2). Last evaluated 2023-12-30.

Conditions:
Myofibrillar myopathy 5. Also called: Filaminopathy (type); FILAMINOPATHY, AUTOSOMAL DOMINANT. Identifiers: Orphanet 171445, MedGen C1836050, MONDO:0012289, OMIM 609524.
Distal myopathy with posterior leg and anterior hand involvement. Also called: WILLIAMS DISTAL MYOPATHY. Identifiers: Orphanet 63273, MedGen C3279722, MONDO:0013550, OMIM 614065.
Hypertrophic cardiomyopathy 26. Also called: Cardiomyopathy, familial hypertrophic, 26. Identifiers: Orphanet 75249, MedGen C4310749, MONDO:0014883, OMIM 617047.

Allele frequency attached by ClinVar (database versions not stated): TOPMed 0.00001.
gnomAD v4.1: 1 of 1,613,898 alleles (0.000062%); highest among the groups gnomAD compares: Middle Eastern, 0.017%; no homozygotes.

Submissions (2):

Labcorp Genetics (formerly Invitae), Labcorp
Classification: Uncertain significance for Distal myopathy with posterior leg and anterior hand involvement; Myofibrillar myopathy 5; Hypertrophic cardiomyopathy 26. Last evaluated: 2023-12-30. Review status: criteria provided, single submitter. Criteria: Invitae Variant Classification Sherloc (09022015). Collection method: clinical testing. Allele origin: germline.
Comment: This sequence change replaces proline, which is neutral and non-polar, with serine, which is neutral and polar, at codon 328 of the FLNC protein (p.Pro328Ser). This variant is not present in population databases (gnomAD no frequency). This variant has not been reported in the literature in individuals affected with FLNC-related conditions. ClinVar contains an entry for this variant (Variation ID: 1218099). Advanced modeling of protein sequence and biophysical properties (such as structural, functional, and spatial information, amino acid conservation, physicochemical variation, residue mobility, and thermodynamic stability) has been performed at Invitae for this missense variant, however the output from this modeling did not meet the statistical confidence thresholds required to predict the impact of this variant on FLNC protein function. In summary, the available evidence is currently insufficient to determine the role of this variant in disease. Therefore, it has been classified as a Variant of Uncertain Significance.

GeneDx
Classification: Uncertain significance. Last evaluated: 2020-09-30. Review status: criteria provided, single submitter. Criteria: GeneDx Variant Classification Process June 2021. Collection method: clinical testing. Allele origin: germline. Affected: yes.
Comment: Has not been previously published as pathogenic or benign to our knowledge; Not observed in large population cohorts (Lek et al., 2016); In silico analysis supports that this missense variant does not alter protein structure/function

NM_001458.5(FLNC):c.982C>T (p.Pro328Ser)

Gene: FLNC (filamin C; plus strand). Cytogenetic location: 7q32.1.
Variant type: single nucleotide variant.
Coding change: c.982C>T on transcript NM_001458.5 (MANE Select); coding-DNA position 982, C replaced by T.
Protein change: p.Pro328Ser; replaces proline 328 with serine.
Molecular consequence: missense variant.
Genome position (GRCh38, 1-based): chr7:128,837,999, C>T. VCF-style: chr7-128837999-C-T. GRCh37 (hg19) VCF-style: chr7-128478053-C-T.
Other names: c.982C>T, p.Pro328Ser (NM_001127487.2); short protein forms P328S.
Identifiers: ClinVar variation 1218099 (VCV001218099.6), dbSNP rs1808168813, ClinGen allele CA369223324.
Genomic context (GRCh38, chr7:128,837,999, plus strand): 5'-GGGGCTATGGTCATTGGAGAGGCTTCCAATCTTTTTCCTTCCTAATAGGCTAAGGTGGTT[C>T]CCAACAATGACAAGGATCGCACCTATGCTGTCTCCTATGTGCCCAAGGTCGCTGGGTTAC-3'
Protein context (NP_001449.3, residues 318-338): EGHTEEAKVV[Pro328Ser]NNDKDRTYAV